The following is an entry in ClinVar:

ClinVar aggregate classification (germline): Uncertain significance (1 of 4 stars; one submission).

Conditions:
Wiedemann-Steiner syndrome (WDSTS). Also called: Growth deficiency and mental retardation with facial dysmorphism. Identifiers: Orphanet 319182, MedGen C1854630, MONDO:0011518, OMIM 605130.

Submission:

Baylor Genetics
Classification: Uncertain significance for Wiedemann-Steiner syndrome. Last evaluated: 2019-05-02. Review status: criteria provided, single submitter. Criteria: ACMG Guidelines, 2015. Collection method: clinical testing. Allele origin: unknown. Affected: yes.
Comment: This variant was determined to be of uncertain significance according to ACMG Guidelines, 2015 [PMID:25741868].

NM_001197104.2(KMT2A):c.10556C>T (p.Pro3519Leu)

Gene: KMT2A (lysine methyltransferase 2A; plus strand). Cytogenetic location: 11q23.3.
Variant type: single nucleotide variant.
Coding change: c.10556C>T on transcript NM_001197104.2 (MANE Select); coding-DNA position 10556, C replaced by T.
Protein change: p.Pro3519Leu; replaces proline 3519 with leucine.
Molecular consequence: missense variant.
Genome position (GRCh38, 1-based): chr11:118,506,448, C>T. VCF-style: chr11-118506448-C-T. GRCh37 (hg19) VCF-style: chr11-118377163-C-T.
Other names: c.10547C>T, p.Pro3516Leu (NM_005933.4); short protein forms P3516L, P3519L.
Identifiers: ClinVar variation 1027818 (VCV001027818.1), dbSNP rs1053444835, ClinGen allele CA229530514.
Genomic context (GRCh38, chr11:118,506,448, plus strand): 5'-AGCAGAACAAGGCTTTATCCTCAGCTGTGCAAGCCAGCCCCACCTCTCCTGGGGGTTCTC[C>T]ATCCTCTCCATCTTCTGGACAGCGGTCAGCAAGCCCTTCAGTGCCGGGTCCCACTAAACC-3'
Protein context (NP_001184033.1, residues 3509-3529): QASPTSPGGS[Pro3519Leu]SSPSSGQRSA